The following is an entry in ClinVar:

NM_000268.4(NF2):c.1774T>C (p.Phe592Leu)

Gene: NF2 (NF2, moesin-ezrin-radixin like (MERLIN) tumor suppressor; plus strand). Cytogenetic location: 22q12.2.
Variant type: single nucleotide variant.
Coding change: c.1774T>C on transcript NM_000268.4 (MANE Select); coding-DNA position 1774, T replaced by C.
Protein change: p.Phe592Leu; replaces phenylalanine 592 with leucine.
Molecular consequence: missense variant. On other transcripts: 3 prime UTR variant (5), non-coding transcript variant (1).
Genome position (GRCh38, 1-based): chr22:29,694,788, T>C. VCF-style: chr22-29694788-T-C. GRCh37 (hg19) VCF-style: chr22-30090777-T-C.
Other names: c.*46T>C (NM_016418.5, NM_181828.3, NM_181829.3 and 1 more transcripts); c.*61T>C (NM_181832.3); c.484T>C, p.Phe162Leu (NM_181833.3); short protein forms F592L, F162L.
Identifiers: ClinVar variation 412213 (VCV000412213.66), dbSNP rs764972504, ClinGen allele CA040529.

ClinVar aggregate classification (germline): Conflicting classifications of pathogenicity. Review status: criteria provided, conflicting classifications (1 of 4 stars). 10 submissions from 10 submitters: Uncertain significance (4); Benign (1); Likely benign (3). 2 of the submissions do not count toward it. Last evaluated 2026-02-02.

Conditions:
NF2-related disorder. Also called: NF2-related condition.
Hereditary cancer-predisposing syndrome. Also called: Tumor predisposition; Hereditary neoplastic syndrome; Hereditary Cancer Syndrome; Neoplastic Syndromes, Hereditary. Identifiers: Orphanet 140162, MedGen C0027672, MeSH D009386, MONDO:0015356.
Neurofibromatosis, type 2 (SWNV). Also called: BILATERAL ACOUSTIC NEUROFIBROMATOSIS; NF2-Related Schwannomatosis; SCHWANNOMATOSIS, VESTIBULAR. Identifiers: Orphanet 637, MedGen C0027832, MONDO:0007039, OMIM 101000. Disease mechanism: loss of function.
Malignant tumor of breast. Also called: Malignant breast neoplasm; Cancer breast. Identifiers: MedGen C0006142, MONDO:0007254. Disease mechanism: loss of function.

Allele frequency attached by ClinVar (database versions not stated): gnomAD 0.00003; ExAC 0.00004; gnomAD exomes 0.00004 and 0.00005; TOPMed 0.00004.
gnomAD v4.1: 79 of 1,613,414 alleles (0.0049%); highest among the groups gnomAD compares: South Asian, 0.02%; 2 homozygotes.

Submissions (10):

Labcorp Genetics (formerly Invitae), Labcorp
Classification: Likely benign for Neurofibromatosis, type 2. Last evaluated: 2026-02-02. Review status: criteria provided, single submitter. Criteria: Invitae Variant Classification Sherloc (09022015). Collection method: clinical testing. Allele origin: germline.

All of Us Research Program, National Institutes of Health
Classification: Uncertain significance for Neurofibromatosis, type 2. Last evaluated: 2024-09-23. Review status: criteria provided, single submitter. Criteria: ACMG Guidelines, 2015. Collection method: clinical testing. Allele origin: germline. Inheritance: Autosomal dominant inheritance. Observed: 10 variant alleles, 10 heterozygotes.
Comment: This missense variant replaces phenylalanine with leucine at codon 592 of the NF2 protein. Computational prediction is inconclusive regarding the impact of this variant on protein structure and function (internally defined REVEL score threshold 0.5 < inconclusive < 0.7, PMID: 27666373). To our knowledge, functional studies have not been reported for this variant. This variant has been reported in an individual affected with breast cancer (ClinVar SCV001448713.1). This variant has been identified in 9/249520 chromosomes in the general population by the Genome Aggregation Database (gnomAD). The available evidence is insufficient to determine the role of this variant in disease conclusively. Therefore, this variant is classified as a Variant of Uncertain Significance.

This study involves interpretation of variants in research participants for the purpose of population health screening. Participant phenotype was not available at the time of variant classification. Additional details can be found in publication PMID: 35346344, PMCID: PMC8962531

Color Diagnostics, LLC DBA Color Health
Classification: Uncertain significance for Neurofibromatosis, type 2. Last evaluated: 2024-05-01. Review status: criteria provided, single submitter. Criteria: ACMG Guidelines, 2015. Collection method: clinical testing. Allele origin: germline.
Comment: This missense variant replaces phenylalanine with leucine at codon 592 of the NF2 protein. Computational prediction is inconclusive regarding the impact of this variant on protein structure and function. To our knowledge, functional studies have not been reported for this variant. This variant has been reported in an individual affected with breast cancer (ClinVar SCV001448713.1). This variant has been identified in 9/249520 chromosomes in the general population by the Genome Aggregation Database (gnomAD). The available evidence is insufficient to determine the role of this variant in disease conclusively. Therefore, this variant is classified as a Variant of Uncertain Significance.

CeGaT Center for Human Genetics Tuebingen
Classification: Uncertain significance. Last evaluated: 2022-11-01. Review status: criteria provided, single submitter. Criteria: CeGaT Center For Human Genetics Tuebingen Variant Classification Criteria Version 2. Collection method: clinical testing. Allele origin: germline. Affected: yes. Observed: 2 variant alleles.
Comment: NF2: PP3

Genome-Nilou Lab
Classification: Likely benign for Neurofibromatosis, type 2. Last evaluated: 2021-11-07. Review status: criteria provided, single submitter. Criteria: ACMG Guidelines, 2015. Collection method: clinical testing. Allele origin: germline. Affected: no.

Ambry Genetics
Classification: Benign for Hereditary cancer-predisposing syndrome. Last evaluated: 2021-06-16. Review status: criteria provided, single submitter. Criteria: Ambry Variant Classification Scheme 2023. Collection method: clinical testing. Allele origin: germline.

Baylor Genetics
Classification: Uncertain significance for Neurofibromatosis, type 2. Last evaluated: 2021-03-04. Review status: criteria provided, single submitter. Criteria: ACMG Guidelines, 2015. Collection method: clinical testing. Allele origin: unknown. Affected: yes. Study: CSER-TexasKidsCanSeq.
Comment: This variant was determined to be of uncertain significance according to ACMG Guidelines, 2015 [PMID:25741868].

Illumina Laboratory Services, Illumina
Classification: Likely benign for Neurofibromatosis, type 2. Last evaluated: 2018-01-13. Review status: criteria provided, single submitter. Criteria: ICSL Variant Classification Criteria 13 December 2019. Collection method: clinical testing. Allele origin: germline.
Comment: This variant was observed in the ICSL laboratory as part of a predisposition screen in an ostensibly healthy population. It had not been previously curated by ICSL or reported in the Human Gene Mutation Database (HGMD: prior to June 1st, 2018), and was therefore a candidate for classification through an automated scoring system. Utilizing variant allele frequency, disease prevalence and penetrance estimates, and inheritance mode, an automated score was calculated to assess if this variant is too frequent to cause the disease. Based on the score and internal cut-off values, a variant classified as likely benign is not then subjected to further curation. The score for this variant resulted in a classification of likely benign for this disease.

PreventionGenetics, part of Exact Sciences
Classification: Likely benign for NF2-related condition. Last evaluated: 2024-03-01. Review status: no assertion criteria provided. Collection method: clinical testing. Allele origin: germline. Not counted in ClinVar's aggregate classification.
Comment: This variant is classified as likely benign based on ACMG/AMP sequence variant interpretation guidelines (Richards et al. 2015 PMID: 25741868, with internal and published modifications).

Center of Medical Genetics and Primary Health Care
Classification: Uncertain significance for Breast Cancer. Review status: no assertion criteria provided. Collection method: clinical testing. Allele origin: germline. Affected: yes. Not counted in ClinVar's aggregate classification.